The following is an entry in ClinVar:

ClinVar aggregate classification (germline): Pathogenic. Review status: criteria provided, multiple submitters, no conflicts (2 of 4 stars). 4 submissions from 4 submitters: Pathogenic (4). Last evaluated 2024-06-12.

Conditions:
Neurofibromatosis, type 1 (NF1). Also called: NEUROFIBROMATOSIS, TYPE I, SOMATIC; Peripheral type neurofibromatosis; Neurofibromatosis, type I; VON RECKLINGHAUSEN DISEASE. Identifiers: Orphanet 636, MedGen C0027831, MONDO:0018975, OMIM 162200. Disease mechanism: loss of function.
Hereditary cancer-predisposing syndrome. Also called: Neoplastic Syndromes, Hereditary; Tumor predisposition; Hereditary neoplastic syndrome; Hereditary Cancer Syndrome. Identifiers: Orphanet 140162, MedGen C0027672, MeSH D009386, MONDO:0015356.
Cardiovascular phenotype. Identifiers: MedGen CN230736.

Allele frequency attached by ClinVar (database versions not stated): gnomAD exomes below 0.00001.
gnomAD v4.1: 2 of 1,613,724 alleles (0.00012%); highest among the groups gnomAD compares: Non-Finnish European, 0.00017%; no homozygotes.

Submissions (4):

Institute of Medical Genetics and Applied Genomics, University Hospital Tübingen
Classification: Pathogenic for Neurofibromatosis, type 1. Last evaluated: 2024-06-12. Review status: criteria provided, single submitter. Criteria: ACMG Guidelines, 2015. Collection method: clinical testing. Allele origin: germline. Inheritance: Autosomal dominant inheritance. Affected: yes.

Labcorp Genetics (formerly Invitae), Labcorp
Classification: Pathogenic for Neurofibromatosis, type 1. Last evaluated: 2024-04-11. Review status: criteria provided, single submitter. Criteria: Invitae Variant Classification Sherloc (09022015). Collection method: clinical testing. Allele origin: germline.
Comment: This sequence change creates a premature translational stop signal (p.Trp1236*) in the NF1 gene. It is expected to result in an absent or disrupted protein product. Loss-of-function variants in NF1 are known to be pathogenic (PMID: 10712197, 23913538). This variant is not present in population databases (gnomAD no frequency). This premature translational stop signal has been observed in individual(s) with neurofibromatosis type 1 (NF1) (PMID: 10712197). ClinVar contains an entry for this variant (Variation ID: 946140). Algorithms developed to predict the effect of sequence changes on RNA splicing suggest that this variant may disrupt the consensus splice site. For these reasons, this variant has been classified as Pathogenic.

CeGaT Center for Human Genetics Tuebingen
Classification: Pathogenic. Last evaluated: 2022-08-01. Review status: criteria provided, single submitter. Criteria: CeGaT Center For Human Genetics Tuebingen Variant Classification Criteria Version 2. Collection method: clinical testing. Allele origin: germline. Affected: yes. Observed: 1 variant allele.
Comment: NF1: PVS1, PM2

Ambry Genetics
Classification: Pathogenic for Cardiovascular phenotype; Hereditary cancer-predisposing syndrome. Last evaluated: 2021-12-10. Review status: criteria provided, single submitter. Criteria: Ambry Variant Classification Scheme 2023. Collection method: clinical testing. Allele origin: germline.
Comment: The p.W1236* pathogenic mutation (also known as c.3708G>A), located in coding exon 27 of the NF1 gene, results from a G to A substitution at nucleotide position 3708. This changes the amino acid from a tryptophan to a stop codon within coding exon 27. This change occurs in the last base pair of coding exon 27, which makes it possible to have some effect on normal mRNA splicing. In silico splice site analysis predicts that this alteration will result in the creation or strengthening of a novel splice donor site. In addition, another alteration resulting in the same premature stop codon p.W1236* (c.3707G>A) has been identified in individuals with NF1 (Fahsold R et al. Am J Hum Genet 2000 Mar;66(3):790-818; Stella A et al. Genes (Basel) 2018 Apr;9(4). This alteration is expected to result in loss of function by premature protein truncation or nonsense-mediated mRNA decay. As such, this alteration is interpreted as a disease-causing mutation.

Literature cited by the submitters: PubMed 10712197 (cited by Labcorp Genetics (formerly Invitae), Labcorp); PubMed 23913538 (cited by Labcorp Genetics (formerly Invitae), Labcorp).

NM_001042492.3(NF1):c.3708G>A (p.Trp1236Ter)

Gene: NF1 (neurofibromin 1; plus strand). Cytogenetic location: 17q11.2.
Variant type: single nucleotide variant.
Coding change: c.3708G>A on transcript NM_001042492.3 (MANE Select); coding-DNA position 3708, G replaced by A.
Protein change: p.Trp1236Ter; replaces tryptophan 1236 with a stop codon.
Molecular consequence: nonsense.
Genome position (GRCh38, 1-based): chr17:31,233,213, G>A. VCF-style: chr17-31233213-G-A. GRCh37 (hg19) VCF-style: chr17-29560231-G-A.
Other names: c.3708G>A, p.Trp1236Ter (NM_000267.4); short protein forms W1236*.
Identifiers: ClinVar variation 946140 (VCV000946140.38), dbSNP rs2067145586, ClinGen allele CA398990777.